The following is an entry in ClinVar:

ClinVar aggregate classification (germline): Uncertain significance. Review status: criteria provided, multiple submitters, no conflicts (2 of 4 stars). 8 submissions from 8 submitters: Uncertain significance (8). Last evaluated 2025-10-02.

Conditions:
Cardiovascular phenotype. Identifiers: MedGen CN230736.
Cardiomyopathy (CMYO). Also called: Cardiomyopathies. Identifiers: Orphanet 167848, MedGen C0878544, MONDO:0004994, HP:0001638. Inheritance: Various modes of inheritance.
Hypertrophic cardiomyopathy. Also called: HYPERTROPHIC MYOCARDIOPATHY. Identifiers: Orphanet 217569, MedGen C0007194, MeSH D002312, MONDO:0005045, HP:0001639.

Allele frequency attached by ClinVar (database versions not stated): TOPMed 0.00001; ExAC 0.00002.
gnomAD v4.1: 28 of 1,612,646 alleles (0.0017%); highest among the groups gnomAD compares: South Asian, 0.016%; no homozygotes.

Submissions (8):

Ambry Genetics
Classification: Uncertain significance for Cardiovascular phenotype. Last evaluated: 2025-10-02. Review status: criteria provided, single submitter. Criteria: Ambry Variant Classification Scheme 2023. Collection method: clinical testing. Allele origin: germline.
Comment: The p.G377S variant (also known as c.1129G>A), located in coding exon 10 of the MYH7 gene, results from a G to A substitution at nucleotide position 1129. The glycine at codon 377 is replaced by serine, an amino acid with similar properties. This alteration is located in the myosin head domain, which contains a statistically significant clustering of pathogenic missense variants (Homburger JR et al. Proc Natl Acad Sci U S A, 2016 06;113:6701-6; Walsh R et al. Genet Med, 2017 02;19:192-203; Ambry internal data). This variant was reported in a dilated cardiomyopathy case whose ejection fraction showed improvement over time; however, only the MYH7 gene was analyzed, and p.G377S was also detected in five unaffected family members (Rai TS et al. Mol Cell Biochem, 2009 Jan;321:189-96). This variant was reported in individual(s) with features consistent with hypertrophic cardiomyopathy (HCM) (Homburger JR et al. Proc Natl Acad Sci U S A, 2016 Jun;113:6701-6). This amino acid position is highly conserved in available vertebrate species. In addition, this alteration is predicted to be deleterious by in silico analysis. Since supporting evidence is limited at this time, the clinical significance of this alteration remains unclear.

Molecular Diagnostic Laboratory for Inherited Cardiovascular Disease, Montreal Heart Institute
Classification: Uncertain significance for Cardiovascular phenotype. Last evaluated: 2025-07-24. Review status: criteria provided, single submitter. Criteria: ACMG Guidelines, 2015. Collection method: clinical testing. Allele origin: germline. Affected: yes.
Comment: PM1, PM5_supp

Labcorp Genetics (formerly Invitae), Labcorp
Classification: Uncertain significance for Hypertrophic cardiomyopathy. Last evaluated: 2024-06-21. Review status: criteria provided, single submitter. Criteria: Invitae Variant Classification Sherloc (09022015). Collection method: clinical testing. Allele origin: germline.
Comment: This sequence change replaces glycine, which is neutral and non-polar, with serine, which is neutral and polar, at codon 377 of the MYH7 protein (p.Gly377Ser). This variant is present in population databases (rs773599095, gnomAD 0.01%). This variant has not been reported in the literature in individuals affected with MYH7-related conditions. ClinVar contains an entry for this variant (Variation ID: 403208). Advanced modeling of protein sequence and biophysical properties (such as structural, functional, and spatial information, amino acid conservation, physicochemical variation, residue mobility, and thermodynamic stability) performed at Invitae indicates that this missense variant is expected to disrupt MYH7 protein function with a positive predictive value of 95%. In summary, the available evidence is currently insufficient to determine the role of this variant in disease. Therefore, it has been classified as a Variant of Uncertain Significance.

All of Us Research Program, National Institutes of Health
Classification: Uncertain significance for Cardiomyopathy. Last evaluated: 2023-11-20. Review status: criteria provided, single submitter. Criteria: ACMG Guidelines, 2015. Collection method: clinical testing. Allele origin: germline. Inheritance: Autosomal dominant inheritance. Observed: 1 variant allele, 1 heterozygote.
Comment: This missense variant replaces glycine with serine at codon 377 of the MYH7 protein. Computational prediction suggests that this variant may have deleterious impact on protein structure and function (internally defined REVEL score threshold >= 0.7, PMID: 27666373). To our knowledge, functional studies have not been reported for this variant. This variant is found within a highly conserved region of the myosin head domain. Missense variants in this region have been shown to be significantly overrepresented in individuals with hypertrophic cardiomyopathy (PMID: 27532257). This variant has been reported in 1 individual affected with dilated cardiomyopathy (PMID: 18953637); this variant was also seen in 5 unaffected family members. This variant has been identified in 5/251390 chromosomes in the general population by the Genome Aggregation Database (gnomAD). The available evidence is insufficient to determine the role of this variant in disease conclusively. Therefore, this variant is classified as a Variant of Uncertain Significance.

This study involves interpretation of variants in research participants for the purpose of population health screening. Participant phenotype was not available at the time of variant classification. Additional details can be found in publication PMID: 35346344, PMCID: PMC8962531

Color Diagnostics, LLC DBA Color Health
Classification: Uncertain significance for Cardiomyopathy. Last evaluated: 2023-11-01. Review status: criteria provided, single submitter. Criteria: ACMG Guidelines, 2015. Collection method: clinical testing. Allele origin: germline.
Comment: This missense variant replaces glycine with serine at codon 377 of the MYH7 protein. Computational prediction suggests that this variant may have deleterious impact on protein structure and function (internally defined REVEL score threshold >= 0.7, PMID: 27666373). To our knowledge, functional studies have not been reported for this variant. This variant is found within a highly conserved region of the myosin head domain. Missense variants in this region have been shown to be significantly overrepresented in individuals with hypertrophic cardiomyopathy (PMID: 27532257). This variant has been reported in 1 individual affected with dilated cardiomyopathy (PMID: 18953637); this variant was also seen in 5 unaffected family members. This variant has been identified in 5/251390 chromosomes in the general population by the Genome Aggregation Database (gnomAD). The available evidence is insufficient to determine the role of this variant in disease conclusively. Therefore, this variant is classified as a Variant of Uncertain Significance.

Blueprint Genetics
Classification: Uncertain significance. Last evaluated: 2022-08-25. Review status: criteria provided, single submitter. Criteria: ACMG Guidelines, 2015. Collection method: clinical testing. Allele origin: germline.

GeneDx
Classification: Uncertain significance. Last evaluated: 2016-08-11. Review status: criteria provided, single submitter. Criteria: GeneDx Variant Classification (06012015). Collection method: clinical testing. Allele origin: germline. Affected: yes.
Comment: In vitro functional studies of this variant have not been reported. A different amino acid substitution at this position (G377R) has been reported in an child with dilated cardiomyopathy in the presence of myocarditis (Boda et al., 2009), therefore the clinical significance of G377R is also uncertain at this time. An external variant database reports G377S was not observed in approximately 6,500 samples from individuals of European and African American backgrounds, indicating it is not a common benign variant in these populations. Nevertheless, this variant lacks observation in a significant number of affected individuals, familial segregation data, and functional evidence which would further clarify its pathogenicity. Therefore, based on the currently available information, we classify G377S as a variant of uncertain significance.

Laboratory for Molecular Medicine, Mass General Brigham Personalized Medicine
Classification: Uncertain significance. Last evaluated: 2016-07-26. Review status: criteria provided, single submitter. Criteria: LMM Criteria. Collection method: clinical testing. Allele origin: germline.
Comment: Variant identified in a genome or exome case(s) and assessed due to predicted null impact of the variant or pathogenic assertions in the literature or databases. Disclaimer: This variant has not undergone full assessment. Many asymptomatic family members also carried the variant (no segregations with disease).

Literature cited by the submitters: PubMed 18953637 (cited by 3 submitters); PubMed 27247418 (cited by Ambry Genetics); PubMed 27532257 (cited by All of Us Research Program, National Institutes of Health and Color Diagnostics, LLC DBA Color Health).

NM_000257.4(MYH7):c.1129G>A (p.Gly377Ser)

Gene: MYH7 (myosin heavy chain 7; minus strand). Cytogenetic location: 14q11.2.
Variant type: single nucleotide variant.
Coding change: c.1129G>A on transcript NM_000257.4 (MANE Select); coding-DNA position 1129, G replaced by A.
Protein change: p.Gly377Ser; replaces glycine 377 with serine.
Molecular consequence: missense variant.
Genome position (GRCh38, 1-based): chr14:23,429,784, C>T on the plus strand (G>A on the coding strand, the complement: MYH7 is on the minus strand). VCF-style: chr14-23429784-C-T. GRCh37 (hg19) VCF-style: chr14-23898993-C-T.
Other names: short protein forms G377S.
Identifiers: ClinVar variation 403208 (VCV000403208.17), dbSNP rs773599095, ClinGen allele CA027608.